The following is an entry in ClinVar:

ClinVar aggregate classification (germline): Pathogenic/Likely pathogenic. Review status: criteria provided, multiple submitters, no conflicts (2 of 4 stars). 7 submissions from 7 submitters: Pathogenic (3); Likely pathogenic (1). 3 of the submissions do not count toward it. Last evaluated 2025-12-29.

Conditions:
Hereditary breast ovarian cancer syndrome. Also called: Hereditary breast and ovarian cancer syndrome (HBOC); Hereditary breast and ovarian cancer syndrome; Hereditary breast and ovarian cancer; Hereditary breast and/or ovarian cancer syndrome; Breast and ovarian cancer; BRCA1- and BRCA2-Associated Hereditary Breast and Ovarian Cancer. Identifiers: Orphanet 145, MedGen C0677776, MeSH D061325, MONDO:0003582. Disease mechanism: loss of function.
Breast-ovarian cancer, familial, susceptibility to, 1 (BROVCA1). Also called: OVARIAN CANCER, SUSCEPTIBILITY TO; BRCA1 Hereditary Breast and Ovarian Cancer. Identifiers: Orphanet 145, MedGen C2676676, MONDO:0011450, OMIM 604370. Disease mechanism: loss of function.

Submissions (8):

Center for Genomic Medicine, Rigshospitalet, Copenhagen University Hospital
Classification: Pathogenic. Last evaluated: 2025-12-29. Review status: criteria provided, single submitter. Criteria: ACMG Guidelines, 2015. Collection method: clinical testing. Allele origin: germline.

Department of Clinical Genetics, Copenhagen University Hospital, Rigshospitalet
Classification: Pathogenic for Breast-ovarian cancer, familial, susceptibility to, 1. Last evaluated: 2024-05-27. Review status: criteria provided, single submitter. Criteria: ACMG Guidelines, 2015. Collection method: clinical testing. Allele origin: germline. Affected: yes.
Comment: PS3; PM2_Supporting; PP1; PP3; PS4

Department of Medical Genetics, Oslo University Hospital
Classification: Likely pathogenic for Breast-ovarian cancer, familial, susceptibility to, 1. Last evaluated: 2016-10-17. Review status: criteria provided, single submitter. Criteria: ACMG Guidelines, 2015. Collection method: clinical testing. Allele origin: germline. Affected: yes. Observed: 2 variant alleles.

Consortium of Investigators of Modifiers of BRCA1/2 (CIMBA), c/o University of Cambridge
Classification: Pathogenic for Breast-ovarian cancer, familial, susceptibility to, 1. Last evaluated: 2015-10-02. Review status: criteria provided, single submitter. Criteria: CIMBA Mutation Classification guidelines May 2016. Collection method: clinical testing. Allele origin: germline.

BRCAlab, Lund University
Classification: Likely pathogenic for Breast-ovarian cancer, familial, susceptibility to, 1. Last evaluated: 2020-03-02. Review status: no assertion criteria provided. Collection method: clinical testing. Allele origin: germline. Affected: yes. Not counted in ClinVar's aggregate classification.

Research Molecular Genetics Laboratory, Women's College Hospital, University of Toronto
Classification: Uncertain significance. Last evaluated: 2014-01-31. Review status: no assertion criteria provided. Collection method: research. Allele origin: germline. Affected: yes. Study: The Canadian Open Genetics Repository (COGR). Not counted in ClinVar's aggregate classification.

Brotman Baty Institute, University of Washington
No classification provided (evidence only). Condition: Breast-ovarian cancer, familial 1. Review status: no classification provided. Collection method: in vitro. Allele origin: not applicable. Functional consequence: functionally_abnormal. Not counted in ClinVar's aggregate classification.
ClinVar note: "not provided" was previously submitted as the classification for the variant. However, the classification appeared to be based only on an observation of functional data so it was converted to no classification on 2025-07-30.

GeneReviews
No classification provided. Condition: Hereditary breast ovarian cancer syndrome. Review status: no classification provided. Collection method: literature only. Allele origin: germline. Not counted in ClinVar's aggregate classification.
Comment: Founder variant in Inuit from Ammassalik; accounts for >95% of pathogenic variants in this population

Literature cited by the submitters: PubMed 18500671 (cited by Center for Genomic Medicine, Rigshospitalet, Copenhagen University Hospital and GeneReviews); PubMed 30209399 (cited by Center for Genomic Medicine, Rigshospitalet, Copenhagen University Hospital); NCBI Bookshelf NBK1247 (cited by GeneReviews); PubMed 19504351 (cited by GeneReviews); PubMed 20437199 (cited by GeneReviews).

NM_007294.4(BRCA1):c.115T>G (p.Cys39Gly)

Gene: BRCA1 (BRCA1 DNA repair associated; minus strand). Cytogenetic location: 17q21.31.
Variant type: single nucleotide variant.
Coding change: c.115T>G on transcript NM_007294.4 (MANE Select); coding-DNA position 115, T replaced by G.
Protein change: p.Cys39Gly; replaces cysteine 39 with glycine.
Molecular consequence: missense variant. On other transcripts: non-coding transcript variant (1), intron variant (1).
Genome position (GRCh38, 1-based): chr17:43,115,745, A>C on the plus strand (T>G on the coding strand, the complement: BRCA1 is on the minus strand). VCF-style: chr17-43115745-A-C. GRCh37 (hg19) VCF-style: chr17-41267762-A-C.
Other names: c.115T>G, p.Cys39Gly (NM_001408402.1, NM_001408403.1, NM_001408404.1 and 192 more transcripts); c.-27T>G (NM_001408410.1, NM_001408452.1, NM_001408453.1 and 47 more transcripts); c.-143T>G (NM_001408455.1, NM_001408456.1, NM_001408468.1 and 13 more transcripts); c.-147T>G (NM_001408465.1, NM_001407695.1); c.-74T>G (NM_001408478.1, NM_001408479.1, NM_001408480.1 and 52 more transcripts); c.-190T>G (NM_001408492.1, NM_001407889.1, NM_001407900.1); c.-189T>G (NM_001408510.1, NM_001408512.1, NM_001407960.1 and 1 more transcripts); c.-8+8272T>G (NM_007297.4); and 2 more; short protein forms C39G.
Identifiers: ClinVar variation 54153 (VCV000054153.19), dbSNP rs80357164, ClinGen allele CA000767.